The following is an entry in ClinVar:

NM_003000.3(SDHB):c.572G>A (p.Cys191Tyr)

Gene: SDHB (succinate dehydrogenase complex iron sulfur subunit B; minus strand). Cytogenetic location: 1p36.13.
Variant type: single nucleotide variant.
Coding change: c.572G>A on transcript NM_003000.3 (MANE Select); coding-DNA position 572, G replaced by A.
Protein change: p.Cys191Tyr; replaces cysteine 191 with tyrosine.
Molecular consequence: missense variant.
Genome position (GRCh38, 1-based): chr1:17,024,043, C>T on the plus strand (G>A on the coding strand, the complement: SDHB is on the minus strand). VCF-style: chr1-17024043-C-T. GRCh37 (hg19) VCF-style: chr1-17350538-C-T.
Other names: short protein forms C191Y.
Identifiers: ClinVar variation 976001 (VCV000976001.13), dbSNP rs2077978456, ClinGen allele CA338271262.

ClinVar aggregate classification (germline): Pathogenic/Likely pathogenic. Review status: criteria provided, multiple submitters, no conflicts (2 of 4 stars). 6 submissions from 6 submitters: Pathogenic (2); Likely pathogenic (4). Last evaluated 2026-03-05.

Conditions:
Renal neoplasm. Also called: Kidney neoplasm. Identifiers: MedGen C0022665, MONDO:0021163, HP:0009726.
Gastrointestinal stromal tumor. Also called: Gastrointestinal stromal tumor, somatic; Gastrointestinal stroma tumor. Identifiers: Orphanet 44890, MedGen C0238198, MeSH D046152, MONDO:0011719, OMIM 606764, HP:0100723.
Pheochromocytoma. Also called: MAX-Related Hereditary Paraganglioma-Pheochromocytoma Syndrome. Identifiers: Orphanet 29072, MedGen C0031511, MONDO:0008233, OMIM 171300, HP:0002666.
Pheochromocytoma/paraganglioma syndrome 4. Also called: CAROTID BODY TUMORS AND MULTIPLE EXTRAADRENAL PHEOCHROMOCYTOMAS; SDHB-Related Hereditary Paraganglioma-Pheochromocytoma Syndrome (Paragangliomas 4); PARAGANGLIOMA, FAMILIAL MALIGNANT; PARAGANGLIOMAS, HEREDITARY EXTRAADRENAL; PHEOCHROMOCYTOMA, FAMILIAL EXTRAADRENAL; Paragangliomas 4. Identifiers: Orphanet 29072, MedGen C1861848, MONDO:0007273, OMIM 115310.
Hereditary cancer-predisposing syndrome. Also called: Hereditary neoplastic syndrome; Neoplastic Syndromes, Hereditary; Hereditary Cancer Syndrome; Tumor predisposition. Identifiers: Orphanet 140162, MedGen C0027672, MeSH D009386, MONDO:0015356.

Submissions (6):

GeneDx
Classification: Pathogenic. Last evaluated: 2026-03-05. Review status: criteria provided, single submitter. Criteria: GeneDx Variant Classification Process June 2021. Collection method: clinical testing. Allele origin: germline.
Comment: Published functional studies demonstrate a damaging effect: decreased SDH enzymatic activity, mitochondrial oxygen consumption, CO2 production, glucose uptake, and lactate concentration, as well as increased ROS production, mitochondrial DNA mutability, and cell proliferation/migration (PMID: 19261679, 24595825); Not observed at significant frequency in large population cohorts (gnomAD); In silico analysis supports that this missense variant has a deleterious effect on protein structure/function; This variant is associated with the following publications: (PMID: 37840772, 26719882, 22323561, 34957538, 40094795, 31492822, 28179334, 25720320, 19261679, 22241717, 39776888, 30050099, 24595825)

Labcorp Genetics (formerly Invitae), Labcorp
Classification: Pathogenic for Gastrointestinal stromal tumor; Pheochromocytoma/paraganglioma syndrome 4; Pheochromocytoma. Last evaluated: 2026-01-10. Review status: criteria provided, single submitter. Criteria: Invitae Variant Classification Sherloc (09022015). Collection method: clinical testing. Allele origin: germline.
Comment: This sequence change replaces cysteine, which is neutral and slightly polar, with tyrosine, which is neutral and polar, at codon 191 of the SDHB protein (p.Cys191Tyr). This variant is not present in population databases (gnomAD no frequency). This missense change has been observed in individuals with paraganglioma-pheochromocytoma syndrome or renal cell carcinoma (PMID: 19261679, 22241717, 25720320, 30050099, 31492822, 40094795). ClinVar contains an entry for this variant (Variation ID: 976001). Invitae Evidence Modeling of protein sequence and biophysical properties (such as structural, functional, and spatial information, amino acid conservation, physicochemical variation, residue mobility, and thermodynamic stability) indicates that this missense variant is expected to disrupt SDHB protein function with a positive predictive value of 80%. Experimental studies have shown that this missense change affects SDHB function (PMID: 19261679). For these reasons, this variant has been classified as Pathogenic.

Ambry Genetics
Classification: Likely pathogenic for Hereditary cancer-predisposing syndrome. Last evaluated: 2023-06-15. Review status: criteria provided, single submitter. Criteria: Ambry Variant Classification Scheme 2023. Collection method: clinical testing. Allele origin: germline.
Comment: The p.C191Y variant (also known as c.572G>A), located in coding exon 6 of the SDHB gene, results from a G to A substitution at nucleotide position 572. The cysteine at codon 191 is replaced by tyrosine, an amino acid with highly dissimilar properties. This alteration has been identified in individuals diagnosed with paragangliomas and/or pheochromocytomas whose tumors showed loss of expression of SDHB on immunohistochemistry (Goffrini P et al. Hum Mol Genet, 2009 May;18:1860-8; Piccini V et al. Endocr Relat Cancer, 2012 Apr;19:149-55; Santi R et al. Anticancer Res, 2017 Feb;37:805-812). In functional studies, this alteration could not rescue loss of SDH2 in complementation studies, had reduced SDH activity and had increased mitochondrial DNA mutability (Goffrini P et al. Hum Mol Genet, 2009 May;18:1860-8). This amino acid position is highly conserved in available vertebrate species. In addition, this alteration is predicted to be deleterious by in silico analysis. This variant is considered to be rare based on population cohorts in the Genome Aggregation Database (gnomAD). Based on the majority of available evidence to date, this variant is likely to be pathogenic.

Genetics and Molecular Pathology, SA Pathology
Classification: Likely pathogenic for Pheochromocytoma/paraganglioma syndrome 4. Last evaluated: 2023-01-11. Review status: criteria provided, single submitter. Criteria: ACMG Guidelines, 2015. Collection method: clinical testing. Allele origin: germline. Affected: yes.

MGZ Medical Genetics Center
Classification: Likely pathogenic for Pheochromocytoma/paraganglioma syndrome 4. Last evaluated: 2022-07-19. Review status: criteria provided, single submitter. Criteria: ACMG Guidelines, 2015. Collection method: clinical testing. Allele origin: germline. Affected: yes. Observed: 1 variant allele.
Comment: ACMG criteria applied: PS4, PS3_MOD, PM2_SUP, PP3

Institute of Human Genetics, University of Leipzig Medical Center
Classification: Likely pathogenic for Renal neoplasm. Last evaluated: 2020-02-19. Review status: criteria provided, single submitter. Criteria: ACMG Guidelines, 2015. Collection method: clinical testing. Allele origin: germline. Affected: yes. Observed: 1 variant allele.

Literature cited by the submitters: PubMed 19261679 (cited by Labcorp Genetics (formerly Invitae), Labcorp and Ambry Genetics); PubMed 22241717 (cited by Labcorp Genetics (formerly Invitae), Labcorp and Ambry Genetics); PubMed 25720320 (cited by Labcorp Genetics (formerly Invitae), Labcorp); PubMed 30050099 (cited by Labcorp Genetics (formerly Invitae), Labcorp); PubMed 31492822 (cited by Labcorp Genetics (formerly Invitae), Labcorp); PubMed 40094795 (cited by Labcorp Genetics (formerly Invitae), Labcorp); PubMed 28179334 (cited by Ambry Genetics).